The following is an entry in ClinVar:

NM_001127671.2(LIFR):c.1267A>G (p.Ile423Val)

Gene: LIFR (LIF receptor subunit alpha; minus strand). Cytogenetic location: 5p13.1.
Variant type: single nucleotide variant.
Coding change: c.1267A>G on transcript NM_001127671.2 (MANE Select); coding-DNA position 1267, A replaced by G.
Protein change: p.Ile423Val; replaces isoleucine 423 with valine.
Molecular consequence: missense variant.
Genome position (GRCh38, 1-based): chr5:38,505,929, T>C on the plus strand (A>G on the coding strand, the complement: LIFR is on the minus strand). VCF-style: chr5-38505929-T-C. GRCh37 (hg19) VCF-style: chr5-38506031-T-C.
Other names: c.1267A>G, p.Ile423Val (NM_001364297.2, NM_001364298.2, NM_002310.6); short protein forms I423V.
Identifiers: ClinVar variation 904901 (VCV000904901.11), dbSNP rs144606459, ClinGen allele CA3242998.
Genomic context (GRCh38, chr5:38,505,929, plus strand): 5'-AGTTATTTTTAAGACATTAGTTTATGTACAGCTTACCTTTTTCAGTTATATTAACTAAAA[T>C]TGTTGATTGTGATCGACCCAGCGGATTGTGAGCATTCAAAGTAAAATTATATATTTCTTG-3'
Protein context (NP_001121143.1, residues 413-433): HNPLGRSQST[Ile423Val]LVNITEKVYP

ClinVar aggregate classification (germline): Uncertain significance. Review status: criteria provided, multiple submitters, no conflicts (2 of 4 stars). 6 submissions from 6 submitters: Uncertain significance (6). Last evaluated 2024-12-16.

Conditions:
Stüve-Wiedemann syndrome 1. Also called: STUVE-WIEDEMANN/SCHWARTZ-JAMPEL TYPE 2 SYNDROME. Identifiers: Orphanet 3206, MedGen C5676888, MONDO:0800043, OMIM 601559.
Stuve-Wiedemann syndrome (STWS). Also called: Stüve-Wiedemann syndrome. Identifiers: Orphanet 3206, MedGen C0796176, MONDO:0031280.

Allele frequency attached by ClinVar (database versions not stated): 1000 Genomes Project 0.00040; gnomAD 0.00041 and 0.00042; gnomAD exomes 0.00013 and 0.00014; 1000 Genomes Project 30x 0.00031; TOPMed 0.00035; ExAC 0.00011; ESP Exome Variant Server 0.00023.
gnomAD v4.1: 247 of 1,608,568 alleles (0.015%); highest among the groups gnomAD compares: Admixed American, 0.077%; no homozygotes.

Submissions (6):

Labcorp Genetics (formerly Invitae), Labcorp
Classification: Uncertain significance. Last evaluated: 2024-12-16. Review status: criteria provided, single submitter. Criteria: Invitae Variant Classification Sherloc (09022015). Collection method: clinical testing. Allele origin: germline.
Comment: This sequence change replaces isoleucine, which is neutral and non-polar, with valine, which is neutral and non-polar, at codon 423 of the LIFR protein (p.Ile423Val). This variant is present in population databases (rs144606459, gnomAD 0.05%). This variant has not been reported in the literature in individuals affected with LIFR-related conditions. ClinVar contains an entry for this variant (Variation ID: 904901). An algorithm developed to predict the effect of missense changes on protein structure and function outputs the following: PolyPhen-2: "Benign". The valine amino acid residue is found in multiple mammalian species, which suggests that this missense change does not adversely affect protein function. In summary, the available evidence is currently insufficient to determine the role of this variant in disease. Therefore, it has been classified as a Variant of Uncertain Significance.

Blueprint Genetics
Classification: Uncertain significance. Last evaluated: 2024-08-13. Review status: criteria provided, single submitter. Criteria: ACMG Guidelines, 2015. Collection method: clinical testing. Allele origin: germline.

Fulgent Genetics
Classification: Uncertain significance for Stüve-Wiedemann syndrome 1. Last evaluated: 2024-04-30. Review status: criteria provided, single submitter. Criteria: ACMG Guidelines, 2015. Collection method: clinical testing. Allele origin: germline.

GeneDx
Classification: Uncertain significance. Last evaluated: 2022-01-31. Review status: criteria provided, single submitter. Criteria: GeneDx Variant Classification Process June 2021. Collection method: clinical testing. Allele origin: germline. Affected: yes.
Comment: In silico analysis supports that this missense variant does not alter protein structure/function; Has not been previously published as pathogenic or benign to our knowledge

Illumina Laboratory Services, Illumina
Classification: Uncertain significance for Stüve-Wiedemann syndrome 1. Last evaluated: 2018-01-13. Review status: criteria provided, single submitter. Criteria: ICSL Variant Classification Criteria 13 December 2019. Collection method: clinical testing. Allele origin: germline.

Breakthrough Genomics
Classification: Uncertain significance. Review status: criteria provided, single submitter. Criteria: ACMG Guidelines, 2015. Collection method: not provided. Allele origin: germline. Inheritance: Autosomal recessive inheritance. Affected: yes.